The following is an entry in ClinVar:

ClinVar aggregate classification (germline): Benign/Likely benign. Review status: criteria provided, multiple submitters, no conflicts (2 of 4 stars). 10 submissions from 10 submitters: Benign (3); Likely benign (3). 4 of the submissions do not count toward it. Last evaluated 2026-01-28.

Conditions:
Paroxysmal nonkinesigenic dyskinesia 1 (PNKD1). Also called: PxMD-PNKD; DYSTONIA 8; Familial Paroxysmal Nonkinesigenic Dyskinesia; PAROXYSMAL DYSTONIC CHOREOATHETOSIS; MOUNT-REBACK SYNDROME; Nonkinesigenic choreoathetosis. Identifiers: Orphanet 98810, MedGen C4551506, MONDO:0700089, OMIM 118800, MONDO:0007326.
Paroxysmal nonkinesigenic dyskinesia. Also called: Paroxysmal non-kinesigenic dyskinesia. Identifiers: Orphanet 98810, MedGen C1869117, MONDO:0700088.
PNKD-related disorder. Also called: PNKD-related condition.

Allele frequency attached by ClinVar (database versions not stated): 1000 Genomes Project 0.00060; 1000 Genomes Project 30x 0.00062; ExAC 0.00086; gnomAD exomes 0.00090; gnomAD 0.00139 and 0.00140; TOPMed 0.00162; ESP Exome Variant Server 0.00200.
gnomAD v4.1: 2,880 of 1,613,746 alleles (0.18%); highest among the groups gnomAD compares: Non-Finnish European, 0.22%; no homozygotes.

Submissions (14):

Labcorp Genetics (formerly Invitae), Labcorp
Classification: Likely benign for Paroxysmal nonkinesigenic dyskinesia. Last evaluated: 2026-01-28. Review status: criteria provided, single submitter. Criteria: Invitae Variant Classification Sherloc (09022015). Collection method: clinical testing. Allele origin: germline.

CeGaT Center for Human Genetics Tuebingen
Classification: Benign. Last evaluated: 2025-05-01. Review status: criteria provided, single submitter. Criteria: CeGaT Center For Human Genetics Tuebingen Variant Classification Criteria Version 2. Collection method: clinical testing. Allele origin: germline. Affected: yes. Observed: 3 variant alleles.
Comment: PNKD: BS1, BS2

Blueprint Genetics
Classification: Likely benign. Last evaluated: 2024-10-08. Review status: criteria provided, single submitter. Criteria: ACMG Guidelines, 2015. Collection method: clinical testing. Allele origin: germline.

GeneDx
Classification: Benign. Last evaluated: 2020-03-10. Review status: criteria provided, single submitter. Criteria: GeneDx Variant Classification Process June 2021. Collection method: clinical testing. Allele origin: germline. Affected: yes.
Comment: This variant is associated with the following publications: (PMID: 24215330, 28894297)

Illumina Laboratory Services, Illumina
Classification: Benign for Paroxysmal nonkinesigenic dyskinesia 1. Last evaluated: 2018-01-13. Review status: criteria provided, single submitter. Criteria: ICSL Variant Classification Criteria 13 December 2019. Collection method: clinical testing. Allele origin: germline.
Comment: This variant was observed in the ICSL laboratory as part of a predisposition screen in an ostensibly healthy population. It had not been previously curated by ICSL or reported in the Human Gene Mutation Database (HGMD: prior to June 1st, 2018), and was therefore a candidate for classification through an automated scoring system. Utilizing variant allele frequency, disease prevalence and penetrance estimates, and inheritance mode, an automated score was calculated to assess if this variant is too frequent to cause the disease. Based on the score and internal cut-off values, a variant classified as benign is not then subjected to further curation. The score for this variant resulted in a classification of benign for this disease.

Breakthrough Genomics
Classification: Likely benign. Review status: criteria provided, single submitter. Criteria: ACMG Guidelines, 2015. Collection method: not provided. Allele origin: germline. Inheritance: Autosomal dominant inheritance. Affected: yes.

PreventionGenetics, part of Exact Sciences
Classification: Likely benign for PNKD-related condition. Last evaluated: 2022-01-31. Review status: no assertion criteria provided. Collection method: clinical testing. Allele origin: germline. Not counted in ClinVar's aggregate classification.
Comment: This variant is classified as likely benign based on ACMG/AMP sequence variant interpretation guidelines (Richards et al. 2015 PMID: 25741868, with internal and published modifications).

Mayo Clinic Laboratories, Mayo Clinic
Classification: Uncertain significance. Last evaluated: 2017-11-08. Review status: no assertion criteria provided. Collection method: clinical testing. Allele origin: unknown. Not counted in ClinVar's aggregate classification.

Clinical Genetics DNA and cytogenetics Diagnostics Lab, Erasmus MC, Erasmus Medical Center
Classification: Likely benign. Review status: no assertion criteria provided. Collection method: clinical testing. Allele origin: germline. Affected: yes. Study: VKGL Data-share Consensus. Not counted in ClinVar's aggregate classification.

Diagnostic Laboratory, Department of Genetics, University Medical Center Groningen
Classification: Likely benign. Review status: no assertion criteria provided. Collection method: clinical testing. Allele origin: germline. Affected: yes. Study: VKGL Data-share Consensus. Not counted in ClinVar's aggregate classification.

Dr. Peter K. Rogan Lab, Western University
No classification provided (evidence only). Condition: Clear cell carcinoma of kidney. Review status: no classification provided. Collection method: in vitro. Allele origin: not applicable. Functional consequence: retained intron. Not counted in ClinVar's aggregate classification.

Dr. Peter K. Rogan Lab, Western University
No classification provided (evidence only). Condition: Melanoma. Review status: no classification provided. Collection method: in vitro. Allele origin: not applicable. Functional consequence: retained intron. Not counted in ClinVar's aggregate classification.

Dr. Peter K. Rogan Lab, Western University
No classification provided (evidence only). Condition: Melanoma. Review status: no classification provided. Collection method: in vitro. Allele origin: not applicable. Functional consequence: retained intron. Not counted in ClinVar's aggregate classification.

Dr. Peter K. Rogan Lab, Western University
No classification provided (evidence only). Condition: Gastric cancer. Review status: no classification provided. Collection method: in vitro. Allele origin: not applicable. Functional consequence: retained intron. Not counted in ClinVar's aggregate classification.

NM_015488.5(PNKD):c.265G>A (p.Gly89Arg)

Genes: CATIP-AS2 (CATIP antisense RNA 2; minus strand), PNKD (PNKD metallo-beta-lactamase domain containing; plus strand). Cytogenetic location: 2q35.
Variant type: single nucleotide variant.
Coding change: c.265G>A on transcript NM_015488.5 (MANE Select); coding-DNA position 265, G replaced by A.
Protein change: p.Gly89Arg; replaces glycine 89 with arginine.
Molecular consequence: missense variant.
Genome position (GRCh38, 1-based): chr2:218,339,811, G>A. VCF-style: chr2-218339811-G-A. GRCh37 (hg19) VCF-style: chr2-219204534-G-A.
Other names: c.193G>A, p.Gly65Arg (NM_022572.5); short protein forms G89R, G65R.
Identifiers: ClinVar variation 334310 (VCV000334310.53), dbSNP rs147259983, ClinGen allele CA2103873.